The following is an entry in ClinVar:

NM_018341.3(ERMARD):c.1511del (p.Pro504fs)

Gene: ERMARD (ER membrane associated RNA degradation; plus strand). Cytogenetic location: 6q27.
Variant type: Deletion.
Coding change: c.1511del on transcript NM_018341.3 (MANE Select); coding-DNA position 1511, one base deleted (C; older notation c.1511delC).
Protein change: p.Pro504fs; shifts the reading frame from proline 504.
Molecular consequence: frameshift variant.
Genome position (GRCh38, 1-based): chr6:169,776,056, C deleted; the last of 2 consecutive C bases (chr6:169,776,055-169,776,056); deleting either gives the same sequence. VCF-style (leftmost placement, unchanged base first): chr6-169776054-TC-T. GRCh37 (hg19) VCF-style: chr6-170176150-TC-T.
Other names: c.1511del, p.Pro504fs (NM_001278531.2, NM_001278533.2); c.1133del, p.Pro378fs (NM_001278532.2); c.1510del (NM_018341.3); short protein forms P378fs, P504fs.
Identifiers: ClinVar variation 1299254 (VCV001299254.1), dbSNP rs1328981245, ClinGen allele CA572002877.

ClinVar aggregate classification (germline): Uncertain significance (1 of 4 stars; one submission).

Conditions:
Periventricular nodular heterotopia 6 (PVNH6). Identifiers: Orphanet 2149, MedGen C3809872, MONDO:0014240, OMIM 615544.

Submission:

Breda Genetics srl
Classification: Uncertain significance for Periventricular nodular heterotopia 6. Last evaluated: 2021-01-14. Review status: criteria provided, single submitter. Criteria: ACMG Guidelines, 2015. Collection method: clinical testing. Allele origin: germline. Inheritance: Autosomal dominant inheritance. Affected: yes. Observed: 1 variant allele, 1 heterozygote.
Comment: Based on allele frequency, in-silico prediction scores and a certain overlap with the clinical phenotype, we interpreted this variant at least as of uncertain significance. The lack of one or more of the following features has discouraged further investigations: lack of a possible second hit in autosomal recessive conditions, presence of healthy controls in databases for autosomal dominant conditions, presence of unmatching cardinal clinical features in the patient or in the known gene-disease association, and/or variant type outside the known gene mutational spectrum.